The following is an entry in ClinVar:

ClinVar aggregate classification (germline): Uncertain significance (1 of 4 stars; one submission).

gnomAD v4.1: 2 of 1,613,198 alleles (0.00012%); highest among the groups gnomAD compares: Non-Finnish European, 0.00017%; no homozygotes.

Submission:

Labcorp Genetics (formerly Invitae), Labcorp
Classification: Uncertain significance. Last evaluated: 2024-03-10. Review status: criteria provided, single submitter. Criteria: Invitae Variant Classification Sherloc (09022015). Collection method: clinical testing. Allele origin: germline.
Comment: This sequence change replaces valine, which is neutral and non-polar, with phenylalanine, which is neutral and non-polar, at codon 2596 of the HMCN1 protein (p.Val2596Phe). This variant is present in population databases (rs762704282, gnomAD 0.002%). This variant has not been reported in the literature in individuals affected with HMCN1-related conditions. An algorithm developed to predict the effect of missense changes on protein structure and function (PolyPhen-2) suggests that this variant is likely to be disruptive. In summary, the available evidence is currently insufficient to determine the role of this variant in disease. Therefore, it has been classified as a Variant of Uncertain Significance.

NM_031935.3(HMCN1):c.7786G>T (p.Val2596Phe)

Gene: HMCN1 (hemicentin 1; plus strand). Cytogenetic location: 1q31.1.
Variant type: single nucleotide variant.
Coding change: c.7786G>T on transcript NM_031935.3 (MANE Select); coding-DNA position 7786, G replaced by T.
Protein change: p.Val2596Phe; replaces valine 2596 with phenylalanine.
Molecular consequence: missense variant.
Genome position (GRCh38, 1-based): chr1:186,067,914, G>T. VCF-style: chr1-186067914-G-T. GRCh37 (hg19) VCF-style: chr1-186037046-G-T.
Other names: short protein forms V2596F.
Identifiers: ClinVar variation 3645347 (VCV003645347.2).